The following is an entry in ClinVar:

ClinVar aggregate classification (germline): Uncertain significance (1 of 4 stars; one submission).

Conditions:
Inborn genetic diseases. Identifiers: MedGen C0950123, MeSH D030342.

gnomAD v4.1: 1 of 1,614,248 alleles (0.000062%); highest among the groups gnomAD compares: South Asian, 0.0011%; no homozygotes.

Submission:

Ambry Genetics
Classification: Uncertain significance for Inborn genetic diseases. Last evaluated: 2025-09-17. Review status: criteria provided, single submitter. Criteria: Ambry Variant Classification Scheme 2023. Collection method: clinical testing. Allele origin: germline.
Comment: The p.M510T variant (also known as c.1529T>C), located in coding exon 10 of the WT1 gene, results from a T to C substitution at nucleotide position 1529. The methionine at codon 510 is replaced by threonine, an amino acid with similar properties. This amino acid position is conserved. In addition, this alteration is predicted to be tolerated by in silico analysis. Based on the available evidence, the clinical significance of this variant remains unclear.

NM_024426.6(WT1):c.1544T>C (p.Met515Thr)

Gene: WT1 (WT1 transcription factor; minus strand). Cytogenetic location: 11p13.
Variant type: single nucleotide variant.
Coding change: c.1544T>C on transcript NM_024426.6 (MANE Select); coding-DNA position 1544, T replaced by C.
Protein change: p.Met515Thr; replaces methionine 515 with threonine.
Molecular consequence: missense variant. On other transcripts: non-coding transcript variant (2).
Genome position (GRCh38, 1-based): chr11:32,389,083, A>G on the plus strand (T>C on the coding strand, the complement: WT1 is on the minus strand). VCF-style: chr11-32389083-A-G. GRCh37 (hg19) VCF-style: chr11-32410629-A-G.
Other names: c.1484T>C, p.Met495Thr (NM_000378.6); c.884T>C, p.Met295Thr (NM_001198551.2); c.842T>C, p.Met281Thr (NM_001198552.2); c.356T>C, p.Met119Thr (NM_001367854.1); c.1529T>C, p.Met510Thr (NM_001407044.1); c.1265T>C, p.Met422Thr (NM_001429034.1); c.1535T>C, p.Met512Thr (NM_024424.5); c.1493T>C, p.Met498Thr (NM_001407045.1); and 9 more; short protein forms M119T, M281T, M295T, M439T, M471T, M510T, M457T, M467T.
Identifiers: ClinVar variation 4634839 (VCV004634839.1).